The following is an entry in ClinVar:

ClinVar aggregate classification (germline): Uncertain significance. Review status: criteria provided, multiple submitters, no conflicts (2 of 4 stars). 2 submissions from 2 submitters: Uncertain significance (2). Last evaluated 2025-09-30.

Conditions:
C3 glomerulonephritis. Also called: Nephropathy due to CFHR5 Deficiency; C3 GLOMERULOPATHY 3. Identifiers: Orphanet 329931, MedGen C4055342, MONDO:0013892, OMIM 614809.
Atypical hemolytic-uremic syndrome. Identifiers: Orphanet 2134, MedGen C2931788, MONDO:0016244.

Allele frequency attached by ClinVar (database versions not stated): gnomAD 0.00001; TOPMed 0.00001; gnomAD exomes 0.00002.
gnomAD v4.1: 24 of 1,607,234 alleles (0.0015%); highest among the groups gnomAD compares: Non-Finnish European, 0.002%; no homozygotes.

Submissions (2):

Genomenon, Inc
Classification: Uncertain significance for C3 glomerulonephritis; Atypical hemolytic-uremic syndrome. Last evaluated: 2025-09-30. Review status: criteria provided, single submitter. Criteria: Genomenon Sequence Variant Interpretation Standards. Collection method: curation. Allele origin: germline. Affected: yes.
Comment: C3 p.Glu803Lys (c.2407G>A) is a missense variant that changes the amino acid at residue 803 from Glutamic acid to Lysine. This variant has been observed in at least one proband affected with a C3-related disorder (PMID:29888403). It is absent or not present at a significant frequency in gnomAD. In silico models agree that this variant is not damaging. In conclusion, we classify C3 p.Glu803Lys (c.2407G>A) as a variant of unknown significance.

Labcorp Genetics (formerly Invitae), Labcorp
Classification: Uncertain significance. Last evaluated: 2023-03-17. Review status: criteria provided, single submitter. Criteria: Invitae Variant Classification Sherloc (09022015). Collection method: clinical testing. Allele origin: germline.
Comment: In summary, the available evidence is currently insufficient to determine the role of this variant in disease. Therefore, it has been classified as a Variant of Uncertain Significance. Advanced modeling of protein sequence and biophysical properties (such as structural, functional, and spatial information, amino acid conservation, physicochemical variation, residue mobility, and thermodynamic stability) performed at Invitae indicates that this missense variant is expected to disrupt C3 protein function. This missense change has been observed in individual(s) with hemolytic uremic syndrome (PMID: 29888403). The frequency data for this variant in the population databases is considered unreliable, as metrics indicate poor data quality at this position in the gnomAD database. This sequence change replaces glutamic acid, which is acidic and polar, with lysine, which is basic and polar, at codon 803 of the C3 protein (p.Glu803Lys).

Literature cited by the submitters: PubMed 29888403 (cited by Genomenon, Inc and Labcorp Genetics (formerly Invitae), Labcorp).

NM_000064.4(C3):c.2407G>A (p.Glu803Lys)

Gene: C3 (complement C3; minus strand). Cytogenetic location: 19p13.3.
Variant type: single nucleotide variant.
Coding change: c.2407G>A on transcript NM_000064.4 (MANE Select); coding-DNA position 2407, G replaced by A.
Protein change: p.Glu803Lys; replaces glutamic acid 803 with lysine.
Molecular consequence: missense variant.
Genome position (GRCh38, 1-based): chr19:6,702,160, C>T on the plus strand (G>A on the coding strand, the complement: C3 is on the minus strand). VCF-style: chr19-6702160-C-T. GRCh37 (hg19) VCF-style: chr19-6702171-C-T.
Other names: short protein forms E803K.
Identifiers: ClinVar variation 2910448 (VCV002910448.4), dbSNP rs1013003379, ClinGen allele CA304788742.